The following is an entry in ClinVar:

ClinVar aggregate classification (germline): Uncertain significance (1 of 4 stars; one submission).

Allele frequency attached by ClinVar (database versions not stated): gnomAD exomes below 0.00001; gnomAD 0.00001; TOPMed 0.00001.
gnomAD v4.1: 2 of 1,608,490 alleles (0.00012%); highest among the groups gnomAD compares: Non-Finnish European, 0.00017%; no homozygotes.

Submission:

GeneDx
Classification: Uncertain significance. Last evaluated: 2022-10-23. Review status: criteria provided, single submitter. Criteria: GeneDx Variant Classification Process June 2021. Collection method: clinical testing. Allele origin: germline. Affected: yes.
Comment: Not observed at significant frequency in large population cohorts (gnomAD); In silico analysis supports that this missense variant does not alter protein structure/function; Has not been previously published as pathogenic or benign to our knowledge

NM_133433.4(NIPBL):c.4546G>A (p.Asp1516Asn)

Gene: NIPBL (NIPBL cohesin loading factor; plus strand). Cytogenetic location: 5p13.2.
Variant type: single nucleotide variant.
Coding change: c.4546G>A on transcript NM_133433.4 (MANE Select); coding-DNA position 4546, G replaced by A.
Protein change: p.Asp1516Asn; replaces aspartic acid 1516 with asparagine.
Molecular consequence: missense variant.
Genome position (GRCh38, 1-based): chr5:37,010,211, G>A. VCF-style: chr5-37010211-G-A. GRCh37 (hg19) VCF-style: chr5-37010313-G-A.
Other names: c.4546G>A, p.Asp1516Asn (NM_015384.5); short protein forms D1516N.
Identifiers: ClinVar variation 2500379 (VCV002500379.1), dbSNP rs1255194057, ClinGen allele CA359528115.
Genomic context (GRCh38, chr5:37,010,211, plus strand): 5'-CAACTTATTCAGTGTGTGGTACACTTACCATCATCAGAGAAGGACTCTAATGCAGAAGAA[G>A]ATTCAAATAAAAAAGTAAGGAATCTATTAAAGGTTTTACAACTGTACTTTTATTGAAGGA-3'
Protein context (NP_597677.2, residues 1506-1526): SSEKDSNAEE[Asp1516Asn]SNKKIDQDVV